The following is an entry in ClinVar:

ClinVar aggregate classification (germline): Uncertain significance. Review status: criteria provided, multiple submitters, no conflicts (2 of 4 stars). 2 submissions from 2 submitters: Uncertain significance (2). Last evaluated 2025-04-02.

Conditions:
Joubert syndrome 18 (JBTS18). Identifiers: Orphanet 2754, MedGen C3553758, MONDO:0013896, OMIM 614815.
Orofacial-digital syndrome IV (OFD4). Also called: BARAITSER-BURN SYNDROME; MOHR-MAJEWSKI SYNDROME; OFD SYNDROME WITH TIBIAL DEFECTS; OFD SYNDROME, BARAITSER-BURN TYPE; OFDS IV; ORAL-FACIAL-DIGITAL SYNDROME, TYPE IV. Identifiers: Orphanet 2753, MedGen C0406727, MONDO:0009794, OMIM 258860.
Inborn genetic diseases. Identifiers: MedGen C0950123, MeSH D030342.

Allele frequency attached by ClinVar (database versions not stated): ExAC 0.00001; gnomAD 0.00001; gnomAD exomes 0.00001; TOPMed 0.00002.
gnomAD v4.1: 17 of 1,613,730 alleles (0.0011%); highest among the groups gnomAD compares: Non-Finnish European, 0.0014%; no homozygotes.

Submissions (2):

Ambry Genetics
Classification: Uncertain significance for Inborn genetic diseases. Last evaluated: 2025-04-02. Review status: criteria provided, single submitter. Criteria: Ambry Variant Classification Scheme 2023. Collection method: clinical testing. Allele origin: germline.

Labcorp Genetics (formerly Invitae), Labcorp
Classification: Uncertain significance for Joubert syndrome 18; Orofacial-digital syndrome IV. Last evaluated: 2021-11-29. Review status: criteria provided, single submitter. Criteria: Invitae Variant Classification Sherloc (09022015). Collection method: clinical testing. Allele origin: germline.
Comment: This sequence change replaces glycine, which is neutral and non-polar, with arginine, which is basic and polar, at codon 429 of the TCTN3 protein (p.Gly429Arg). This variant is present in population databases (rs773447066, gnomAD 0.003%). This variant has not been reported in the literature in individuals affected with TCTN3-related conditions. Algorithms developed to predict the effect of missense changes on protein structure and function (SIFT, PolyPhen-2, Align-GVGD) all suggest that this variant is likely to be disruptive. In summary, the available evidence is currently insufficient to determine the role of this variant in disease. Therefore, it has been classified as a Variant of Uncertain Significance.

NM_015631.6(TCTN3):c.1285G>A (p.Gly429Arg)

Gene: TCTN3 (tectonic family member 3; minus strand). Cytogenetic location: 10q24.1.
Variant type: single nucleotide variant.
Coding change: c.1285G>A on transcript NM_015631.6 (MANE Select); coding-DNA position 1285, G replaced by A.
Protein change: p.Gly429Arg; replaces glycine 429 with arginine.
Molecular consequence: missense variant.
Genome position (GRCh38, 1-based): chr10:95,683,114, C>T on the plus strand (G>A on the coding strand, the complement: TCTN3 is on the minus strand). VCF-style: chr10-95683114-C-T. GRCh37 (hg19) VCF-style: chr10-97442871-C-T.
Other names: c.841G>A, p.Gly281Arg (NM_001143973.2); c.1285G>A (NM_015631.5); short protein forms G281R, G429R.
Identifiers: ClinVar variation 1347003 (VCV001347003.4), dbSNP rs773447066, ClinGen allele CA5620881.